The following is an entry in ClinVar:

NM_000702.4(ATP1A2):c.2259C>T (p.Ala753=)

Gene: ATP1A2 (ATPase Na+/K+ transporting subunit alpha 2; plus strand). Cytogenetic location: 1q23.2.
Variant type: single nucleotide variant.
Coding change: c.2259C>T on transcript NM_000702.4 (MANE Select); coding-DNA position 2259, C replaced by T.
Protein change: p.Ala753=; no amino-acid change (alanine 753 retained).
Molecular consequence: synonymous variant.
Genome position (GRCh38, 1-based): chr1:160,135,577, C>T. VCF-style: chr1-160135577-C-T. GRCh37 (hg19) VCF-style: chr1-160105367-C-T.
Other names: p.Ala753=.
Identifiers: ClinVar variation 128481 (VCV000128481.29), dbSNP rs17846715, ClinGen allele CA151971.

ClinVar aggregate classification (germline): Benign. Review status: criteria provided, multiple submitters, no conflicts (2 of 4 stars). 15 submissions from 11 submitters: Benign (14). 1 of the submissions does not count toward it. Last evaluated 2026-02-03.

Conditions:
Fetal akinesia, respiratory insufficiency, microcephaly, polymicrogyria, and dysmorphic facies. Identifiers: MedGen C5562015, MONDO:0859204, OMIM 619602.
Developmental and epileptic encephalopathy 98. Identifiers: MedGen C5562017, MONDO:0030472, OMIM 619605.
Inborn genetic diseases. Identifiers: MedGen C0950123, MeSH D030342.
Alternating hemiplegia of childhood 1 (AHC1). Identifiers: Orphanet 2131, MedGen C3549447, MONDO:0007087, OMIM 104290.
Migraine, familial hemiplegic, 2. Identifiers: Orphanet 569, MedGen C1865322, MONDO:0011232, OMIM 602481.
Familial hemiplegic migraine. Identifiers: MedGen C0338484, MONDO:0000700.

Allele frequency attached by ClinVar (database versions not stated): 1000 Genomes Project 0.06310; 1000 Genomes Project 30x 0.06433; TOPMed 0.08301; ESP Exome Variant Server 0.08496; gnomAD 0.09239 and 0.09246; ExAC 0.10769; gnomAD exomes 0.11102 and 0.11502.
gnomAD v4.1: 181,683 of 1,614,000 alleles (11%); highest among the groups gnomAD compares: Admixed American, 13%; 10,999 homozygotes.

Submissions (15):

Labcorp Genetics (formerly Invitae), Labcorp
Classification: Benign for Familial hemiplegic migraine. Last evaluated: 2026-02-03. Review status: criteria provided, single submitter. Criteria: Invitae Variant Classification Sherloc (09022015). Collection method: clinical testing. Allele origin: germline.

Blueprint Genetics
Classification: Benign. Last evaluated: 2024-11-26. Review status: criteria provided, single submitter. Criteria: ACMG Guidelines, 2015. Collection method: clinical testing. Allele origin: germline.

Unidad de Genómica Garrahan, Hospital de Pediatría Garrahan
Classification: Benign. Last evaluated: 2024-07-15. Review status: criteria provided, single submitter. Criteria: ACMG Guidelines, 2015. Collection method: clinical testing. Allele origin: germline. Affected: no. Observed: 23 variant alleles.
Comment: This variant is classified as Benign based on local population frequency. This variant was detected in 25% of patients studied in a panel designed for Epileptic and Developmental Encephalopathy and Progressive Myoclonus Epilepsy. Number of patients: 23. Only high quality variants are reported.

Mayo Clinic Laboratories, Mayo Clinic
Classification: Benign. Last evaluated: 2022-03-24. Review status: criteria provided, single submitter. Criteria: ACMG Guidelines, 2015. Collection method: clinical testing. Allele origin: germline. Observed: 231 variant alleles.

Genome-Nilou Lab
Classification: Benign for Alternating hemiplegia of childhood 1. Last evaluated: 2021-12-05. Review status: criteria provided, single submitter. Criteria: ACMG Guidelines, 2015. Collection method: clinical testing. Allele origin: germline. Affected: no.

Genome-Nilou Lab
Classification: Benign for Developmental and epileptic encephalopathy 98. Last evaluated: 2021-12-05. Review status: criteria provided, single submitter. Criteria: ACMG Guidelines, 2015. Collection method: clinical testing. Allele origin: germline. Affected: no.

Genome-Nilou Lab
Classification: Benign for Fetal akinesia, respiratory insufficiency, microcephaly, polymicrogyria, and dysmorphic facies. Last evaluated: 2021-12-05. Review status: criteria provided, single submitter. Criteria: ACMG Guidelines, 2015. Collection method: clinical testing. Allele origin: germline. Affected: no.

Genome-Nilou Lab
Classification: Benign for Migraine, familial hemiplegic, 2. Last evaluated: 2021-12-05. Review status: criteria provided, single submitter. Criteria: ACMG Guidelines, 2015. Collection method: clinical testing. Allele origin: germline. Affected: no.

Illumina Laboratory Services, Illumina
Classification: Benign for Alternating hemiplegia of childhood 1. Last evaluated: 2018-01-12. Review status: criteria provided, single submitter. Criteria: ICSL Variant Classification Criteria 13 December 2019. Collection method: clinical testing. Allele origin: germline.
Comment: This variant was observed in the ICSL laboratory as part of a predisposition screen in an ostensibly healthy population. It had not been previously curated by ICSL or reported in the Human Gene Mutation Database (HGMD: prior to June 1st, 2018), and was therefore a candidate for classification through an automated scoring system. Utilizing variant allele frequency, disease prevalence and penetrance estimates, and inheritance mode, an automated score was calculated to assess if this variant is too frequent to cause the disease. Based on the score and internal cut-off values, a variant classified as benign is not then subjected to further curation. The score for this variant resulted in a classification of benign for this disease.

Illumina Laboratory Services, Illumina
Classification: Benign for Migraine, familial hemiplegic, 2. Last evaluated: 2018-01-12. Review status: criteria provided, single submitter. Criteria: ICSL Variant Classification Criteria 13 December 2019. Collection method: clinical testing. Allele origin: germline.
Comment: the same text as in the submission from Illumina Laboratory Services, Illumina above.

Ambry Genetics
Classification: Benign for Inborn genetic diseases. Last evaluated: 2016-03-13. Review status: criteria provided, single submitter. Criteria: Ambry Variant Classification Scheme 2023. Collection method: clinical testing. Allele origin: germline.

GeneDx
Classification: Benign. Last evaluated: 2015-03-03. Review status: criteria provided, single submitter. Criteria: GeneDx Variant Classification Process June 2021. Collection method: clinical testing. Allele origin: germline. Affected: yes.

Breakthrough Genomics
Classification: Benign. Review status: criteria provided, single submitter. Criteria: ACMG Guidelines, 2015. Collection method: not provided. Allele origin: germline. Inheritance: Autosomal recessive inheritance. Affected: yes.

PreventionGenetics, part of Exact Sciences
Classification: Benign. Review status: criteria provided, single submitter. Criteria: ACMG Guidelines, 2015. Collection method: clinical testing. Allele origin: germline.

Genetic Services Laboratory, University of Chicago
Classification: Likely benign for AllHighlyPenetrant. Review status: no assertion criteria provided. Collection method: clinical testing. Allele origin: germline. Inheritance: Autosomal dominant inheritance. Not counted in ClinVar's aggregate classification.
Comment: Likely benign based on allele frequency in 1000 Genomes Project or ESP global frequency and its presence in a patient with a rare or unrelated disease phenotype. NOT Sanger confirmed.